The following is an entry in ClinVar:

NM_006231.4(POLE):c.1984A>G (p.Asn662Asp)

Gene: POLE (DNA polymerase epsilon, catalytic subunit; minus strand). Cytogenetic location: 12q24.33.
Variant type: single nucleotide variant.
Coding change: c.1984A>G on transcript NM_006231.4 (MANE Select); coding-DNA position 1984, A replaced by G.
Protein change: p.Asn662Asp; replaces asparagine 662 with aspartic acid.
Molecular consequence: missense variant.
Genome position (GRCh38, 1-based): chr12:132,668,677, T>C on the plus strand (A>G on the coding strand, the complement: POLE is on the minus strand). VCF-style: chr12-132668677-T-C. GRCh37 (hg19) VCF-style: chr12-133245263-T-C.
Other names: c.1984A>G (NM_006231.2); short protein forms N662D.
Identifiers: ClinVar variation 2747086 (VCV002747086.4), dbSNP rs2042853695, ClinGen allele CA387354939.
Genomic context (GRCh38, chr12:132,668,677, plus strand): 5'-CAGGCGGCCGACACTCACTGAACTCGCCCCTCCACTGCCAGGCCATCTTCCGCTGGCAGT[T>C]TGCTCCAGGCTTATTGAAGTCACAGGCAGCACAGGTGGCTTCGTCCACCATGGCAGAGGG-3'
Protein context (NP_006222.2, residues 652-672): AACDFNKPGA[Asn662Asp]CQRKMAWQWR

ClinVar aggregate classification (germline): Uncertain significance. Review status: criteria provided, multiple submitters, no conflicts (2 of 4 stars). 2 submissions from 2 submitters: Uncertain significance (2). Last evaluated 2025-06-02.

Conditions:
Hereditary cancer-predisposing syndrome. Also called: Hereditary Cancer Syndrome; Neoplastic Syndromes, Hereditary; Tumor predisposition; Hereditary neoplastic syndrome. Identifiers: Orphanet 140162, MedGen C0027672, MeSH D009386, MONDO:0015356.

Submissions (2):

Ambry Genetics
Classification: Uncertain significance for Hereditary cancer-predisposing syndrome. Last evaluated: 2025-06-02. Review status: criteria provided, single submitter. Criteria: Ambry Variant Classification Scheme 2023. Collection method: clinical testing. Allele origin: germline.
Comment: The p.N662D variant (also known as c.1984A>G), located in coding exon 18 of the POLE gene, results from an A to G substitution at nucleotide position 1984. The asparagine at codon 662 is replaced by aspartic acid, an amino acid with highly similar properties. This amino acid position is conserved. In addition, this alteration is predicted to be tolerated by in silico analysis. Based on the available evidence, the clinical significance of this variant remains unclear.

Labcorp Genetics (formerly Invitae), Labcorp
Classification: Uncertain significance. Last evaluated: 2023-07-26. Review status: criteria provided, single submitter. Criteria: Invitae Variant Classification Sherloc (09022015). Collection method: clinical testing. Allele origin: germline.
Comment: In summary, the available evidence is currently insufficient to determine the role of this variant in disease. Therefore, it has been classified as a Variant of Uncertain Significance. Advanced modeling of protein sequence and biophysical properties (such as structural, functional, and spatial information, amino acid conservation, physicochemical variation, residue mobility, and thermodynamic stability) performed at Invitae indicates that this missense variant is not expected to disrupt POLE protein function. This variant has not been reported in the literature in individuals affected with POLE-related conditions. This sequence change replaces asparagine, which is neutral and polar, with aspartic acid, which is acidic and polar, at codon 662 of the POLE protein (p.Asn662Asp). This variant is not present in population databases (gnomAD no frequency).